The following is an entry in ClinVar:

NM_031935.3(HMCN1):c.16028C>A (p.Pro5343Gln)

Gene: HMCN1 (hemicentin 1; plus strand). Cytogenetic location: 1q31.1.
Variant type: single nucleotide variant.
Coding change: c.16028C>A on transcript NM_031935.3 (MANE Select); coding-DNA position 16028, C replaced by A.
Protein change: p.Pro5343Gln; replaces proline 5343 with glutamine.
Molecular consequence: missense variant.
Genome position (GRCh38, 1-based): chr1:186,178,500, C>A. VCF-style: chr1-186178500-C-A. GRCh37 (hg19) VCF-style: chr1-186147632-C-A.
Other names: short protein forms P5343Q.
Identifiers: ClinVar variation 1389738 (VCV001389738.6), dbSNP rs1558285041, ClinGen allele CA343937486.

ClinVar aggregate classification (germline): Uncertain significance (1 of 4 stars; one submission).

Submission:

Labcorp Genetics (formerly Invitae), Labcorp
Classification: Uncertain significance. Last evaluated: 2021-10-27. Review status: criteria provided, single submitter. Criteria: Invitae Variant Classification Sherloc (09022015). Collection method: clinical testing. Allele origin: germline.
Comment: In summary, the available evidence is currently insufficient to determine the role of this variant in disease. Therefore, it has been classified as a Variant of Uncertain Significance. Algorithms developed to predict the effect of missense changes on protein structure and function (SIFT, PolyPhen-2, Align-GVGD) all suggest that this variant is likely to be disruptive. This variant has not been reported in the literature in individuals affected with HMCN1-related conditions. This variant is not present in population databases (gnomAD no frequency). This sequence change replaces proline, a(n) neutral and non-polar amino acid, with glutamine, a(n) neutral and polar amino acid, at codon 5343 of the HMCN1 protein (p.Pro5343Gln).